The following is an entry in ClinVar:

ClinVar aggregate classification (germline): Uncertain significance (1 of 4 stars; one submission).

Conditions:
Cardiovascular phenotype. Identifiers: MedGen CN230736.

Allele frequency attached by ClinVar (database versions not stated): gnomAD exomes below 0.00001; ExAC 0.00001.
gnomAD v4.1: 3 of 1,613,392 alleles (0.00019%); highest among the groups gnomAD compares: Admixed American, 0.0033%; no homozygotes.

Submission:

Ambry Genetics
Classification: Uncertain significance for Cardiovascular phenotype. Last evaluated: 2020-07-06. Review status: criteria provided, single submitter. Criteria: Ambry Variant Classification Scheme 2023. Collection method: clinical testing. Allele origin: germline.
Comment: The p.P14640L variant (also known as c.43919C>T), located in coding exon 153 of the TTN gene, results from a C to T substitution at nucleotide position 43919. The proline at codon 14640 is replaced by leucine, an amino acid with similar properties. This amino acid position is well conserved in available vertebrate species. In addition, this alteration is predicted to be tolerated by in silico analysis. Since supporting evidence is limited at this time, the clinical significance of this alteration remains unclear.

NM_001267550.2(TTN):c.71114C>T (p.Pro23705Leu)

Genes: TTN (titin; minus strand), TTN-AS1 (TTN antisense RNA 1; plus strand). Cytogenetic location: 2q31.2.
Variant type: single nucleotide variant.
Coding change: c.71114C>T on transcript NM_001267550.2 (MANE Select); coding-DNA position 71114, C replaced by T.
Protein change: p.Pro23705Leu; replaces proline 23705 with leucine.
Molecular consequence: missense variant.
Genome position (GRCh38, 1-based): chr2:178,575,018, G>A on the plus strand (C>T on the coding strand, the complement: TTN is on the minus strand). VCF-style: chr2-178575018-G-A. GRCh37 (hg19) VCF-style: chr2-179439745-G-A.
Other names: c.66191C>T, p.Pro22064Leu (NM_001256850.1); c.43919C>T, p.Pro14640Leu (NM_003319.4); c.63410C>T, p.Pro21137Leu (NM_133378.4); c.44294C>T, p.Pro14765Leu (NM_133432.3); c.44495C>T, p.Pro14832Leu (NM_133437.4); short protein forms P14640L, P14832L, P23705L, P21137L, P22064L, P14765L.
Identifiers: ClinVar variation 1740232 (VCV001740232.2), dbSNP rs765591920, ClinGen allele CA1990678.
Genomic context (GRCh38, chr2:178,575,018, plus strand): 5'-TCATGGACTTGAATGGTGATGACATCACCAACCTCTCCTACAATGTTCCTTGCTGTTAAT[G>A]GATAGGGCCCACTATCACTTCTGACACACTCATTGATATTTAAAATGGTTGAAGTCGCTG-3'
Protein context (NP_001254479.2, residues 23695-23715): ECVRSDSGPY[Pro23705Leu]LTARNIVGEV